The following is an entry in ClinVar:

NM_198428.3(BBS9):c.2153G>A (p.Gly718Asp)

Gene: BBS9 (Bardet-Biedl syndrome 9; plus strand). Cytogenetic location: 7p14.3.
Variant type: single nucleotide variant.
Coding change: c.2153G>A on transcript NM_198428.3 (MANE Select); coding-DNA position 2153, G replaced by A.
Protein change: p.Gly718Asp; replaces glycine 718 with aspartic acid.
Molecular consequence: missense variant. On other transcripts: non-coding transcript variant (3), intron variant (1).
Genome position (GRCh38, 1-based): chr7:33,505,500, G>A. VCF-style: chr7-33505500-G-A. GRCh37 (hg19) VCF-style: chr7-33545112-G-A.
Other names: c.2048G>A, p.Gly683Asp (NM_001033604.2); c.2138G>A, p.Gly713Asp (NM_001033605.2); c.2153G>A, p.Gly718Asp (NM_001348036.1, NM_001348041.4, NM_001348043.3 and 1 more transcripts); c.1880G>A, p.Gly627Asp (NM_001348038.3); c.1775G>A, p.Gly592Asp (NM_001348039.3); c.2033G>A, p.Gly678Asp (NM_001348040.3, NM_014451.4); c.2018G>A, p.Gly673Asp (NM_001348042.3); c.1682G>A, p.Gly561Asp (NM_001348044.3); and 2 more; short protein forms G627D, G673D, G713D, G592D, G683D, G718D, G561D, G596D.
Identifiers: ClinVar variation 4981345 (VCV004981345.1).

ClinVar aggregate classification (germline): Uncertain significance (1 of 4 stars; one submission).

Conditions:
BBS9-related disorder. Also called: BBS9-related condition.

Submission:

PreventionGenetics, part of Exact Sciences
Classification: Uncertain significance for BBS9-related condition. Last evaluated: 2024-12-02. Review status: criteria provided, single submitter. Criteria: ACMG Guidelines, 2015. Collection method: clinical testing. Allele origin: germline.
Comment: The BBS9 c.2153G>A variant is predicted to result in the amino acid substitution p.Gly718Asp. To our knowledge, this variant has not been reported in the literature or in a large population database (gnomAD), indicating this variant is rare. At this time, the clinical significance of this variant is uncertain due to the absence of conclusive functional and genetic evidence.